The following is an entry in ClinVar:

NM_003289.4(TPM2):c.-10C>A

Gene: TPM2 (tropomyosin 2; minus strand). Cytogenetic location: 9p13.3.
Variant type: single nucleotide variant.
Coding change: c.-10C>A on transcript NM_003289.4 (MANE Select); 10 bases upstream of the start codon, C replaced by A.
Molecular consequence: 5 prime UTR variant.
Genome position (GRCh38, 1-based): chr9:35,689,827, G>T on the plus strand (C>A on the coding strand, the complement: TPM2 is on the minus strand). VCF-style: chr9-35689827-G-T. GRCh37 (hg19) VCF-style: chr9-35689824-G-T.
Other names: c.-10C>A (NM_001301226.2, NM_001301227.2, NM_213674.1).
Identifiers: ClinVar variation 366771 (VCV000366771.11), dbSNP rs372751531, ClinGen allele CA5047475.

ClinVar aggregate classification (germline): Conflicting classifications of pathogenicity. Review status: criteria provided, conflicting classifications (1 of 4 stars). 4 submissions from 3 submitters: Uncertain significance (2); Likely benign (1). 1 of the submissions does not count toward it. Last evaluated 2018-01-13.

Conditions:
TPM2-related disorder. Also called: TPM2-related disorders; TPM2-related condition.
Arthrogryposis, distal, type 1A. Also called: ARTHROGRYPOSIS MULTIPLEX CONGENITA, DISTAL, TYPE I. Identifiers: Orphanet 1146, MedGen C6022280, MONDO:0007157, OMIM 108120.
Congenital myopathy 23 (CMYO23). Also called: NEMALINE MYOPATHY 4; Nemaline myopathy 4, autosomal dominant; CAP MYOPATHY 2. Identifiers: MedGen C1836447, MONDO:0012240, OMIM 609285.

Allele frequency attached by ClinVar (database versions not stated): gnomAD 0.00006; TOPMed 0.00013; ESP Exome Variant Server 0.00015.

Submissions (4):

Illumina Laboratory Services, Illumina
Classification: Uncertain significance for Arthrogryposis, distal, type 1A. Last evaluated: 2018-01-13. Review status: criteria provided, single submitter. Criteria: ICSL Variant Classification Criteria 13 December 2019. Collection method: clinical testing. Allele origin: germline.

Illumina Laboratory Services, Illumina
Classification: Likely benign for Congenital myopathy 23. Last evaluated: 2018-01-13. Review status: criteria provided, single submitter. Criteria: ICSL Variant Classification Criteria 13 December 2019. Collection method: clinical testing. Allele origin: germline.
Comment: This variant was observed in the ICSL laboratory as part of a predisposition screen in an ostensibly healthy population. It had not been previously curated by ICSL or reported in the Human Gene Mutation Database (HGMD: prior to June 1st, 2018), and was therefore a candidate for classification through an automated scoring system. Utilizing variant allele frequency, disease prevalence and penetrance estimates, and inheritance mode, an automated score was calculated to assess if this variant is too frequent to cause the disease. Based on the score and internal cut-off values, a variant classified as likely benign is not then subjected to further curation. The score for this variant resulted in a classification of likely benign for this disease.

Genetic Services Laboratory, University of Chicago
Classification: Uncertain significance. Last evaluated: 2016-08-09. Review status: criteria provided, single submitter. Criteria: ACMG Guidelines, 2015. Collection method: clinical testing. Allele origin: germline. Affected: no.

PreventionGenetics, part of Exact Sciences
Classification: Likely benign for TPM2-related condition. Last evaluated: 2021-11-02. Review status: no assertion criteria provided. Collection method: clinical testing. Allele origin: germline. Not counted in ClinVar's aggregate classification.
Comment: This variant is classified as likely benign based on ACMG/AMP sequence variant interpretation guidelines (Richards et al. 2015 PMID: 25741868, with internal and published modifications).